The following is an entry in ClinVar:

ClinVar aggregate classification (germline): Uncertain significance (1 of 4 stars; one submission).

Submission:

ARUP Laboratories, Molecular Genetics and Genomics, ARUP Laboratories
Classification: Uncertain significance. Last evaluated: 2024-03-08. Review status: criteria provided, single submitter. Criteria: ARUP Molecular Germline Variant Investigation Process 2024. Collection method: clinical testing. Allele origin: germline.
Comment: The SETX c.255_257dup; p.Asp85dup variant (rs1848291241), to our knowledge, is not reported in the medical literature or gene specific databases. This variant is also absent from the Genome Aggregation Database (v2.1.1), indicating it is not a common polymorphism. This variant duplicates a single aspartic acid residue leaving the rest of the protein in-frame. Due to limited information, the clinical significance of this variant is uncertain at this time.

NM_015046.7(SETX):c.249TGA[4] (p.Asp85_Glu86insAsp)

Gene: SETX (senataxin; minus strand). Cytogenetic location: 9q34.13.
Variant type: Microsatellite.
Coding change: c.249TGA[4] on transcript NM_015046.7 (MANE Select); four copies in a row of the 3-base unit TGA starting at c.249; the reference has three copies in a row; one copy, 3 bases duplicated.
Protein change: p.Asp85_Glu86insAsp.
Genome position (GRCh38, 1-based): chr9:132,346,392-132,346,394, TCA duplicated on the plus strand (TGA on the coding strand, the reverse complement: SETX is on the minus strand); duplicating any 3 consecutive bases within chr9:132,346,392-132,346,402 gives the same sequence; the position shown is the placement nearest the transcript's 3' end. VCF-style (leftmost placement, unchanged base first): chr9-132346391-C-CTCA. GRCh37 (hg19) VCF-style: chr9-135221778-C-CTCA.
Other names: c.249TGA[4], p.Asp85_Glu86insAsp (NM_001351527.2, NM_001351528.2).
Identifiers: ClinVar variation 3766503 (VCV003766503.1).